The following is an entry in ClinVar:

NM_000304.4(PMP22):c.125G>A (p.Cys42Tyr)

Gene: PMP22 (peripheral myelin protein 22; minus strand). Cytogenetic location: 17p12.
Variant type: single nucleotide variant.
Coding change: c.125G>A on transcript NM_000304.4 (MANE Select); coding-DNA position 125, G replaced by A.
Protein change: p.Cys42Tyr; replaces cysteine 42 with tyrosine.
Molecular consequence: missense variant. On other transcripts: non-coding transcript variant (1).
Genome position (GRCh38, 1-based): chr17:15,259,147, C>T on the plus strand (G>A on the coding strand, the complement: PMP22 is on the minus strand). VCF-style: chr17-15259147-C-T. GRCh37 (hg19) VCF-style: chr17-15162464-C-T.
Other names: c.125G>A, p.Cys42Tyr (NM_001281455.2, NM_001281456.2, NM_001330143.2 and 2 more transcripts); short protein forms C42Y.
Identifiers: ClinVar variation 2808588 (VCV002808588.3), dbSNP rs2508212037, ClinGen allele CA398270949.
Genomic context (GRCh38, chr17:15,259,147, plus strand): 5'-GCCTCACCGTTTGGTGATGATGAGAAACAGTGGTGGACATTTCCTGAGGAAGAGGTGCTA[C>T]AGTTCTGCCAGAGATCAGTTGCGTGTCCATTGCCCACGATCCATTGCTAGAGAGAATCAG-3'
Protein context (NP_000295.1, residues 32-52): NGHATDLWQN[Cys42Tyr]STSSSGNVHH

ClinVar aggregate classification (germline): Uncertain significance. Review status: criteria provided, multiple submitters, no conflicts (2 of 4 stars). 2 submissions from 2 submitters: Uncertain significance (2). Last evaluated 2025-08-15.

Conditions:
Charcot-Marie-Tooth disease, type I (CMT1). Also called: Charcot-Marie-Tooth disease type 1; Charcot-Marie-Tooth, Type 1. Identifiers: Orphanet 65753, MedGen C0751036, MONDO:0019011.

Submissions (2):

GeneDx
Classification: Uncertain significance. Last evaluated: 2025-08-15. Review status: criteria provided, single submitter. Criteria: GeneDx Variant Classification Process June 2021. Collection method: clinical testing. Allele origin: germline. Affected: yes.
Comment: Not observed at significant frequency in large population cohorts (gnomAD); In silico analysis supports that this missense variant has a deleterious effect on protein structure/function; Has not been previously published as pathogenic or benign to our knowledge

Labcorp Genetics (formerly Invitae), Labcorp
Classification: Uncertain significance for Charcot-Marie-Tooth disease, type I. Last evaluated: 2023-02-24. Review status: criteria provided, single submitter. Criteria: Invitae Variant Classification Sherloc (09022015). Collection method: clinical testing. Allele origin: germline.
Comment: This variant is not present in population databases (gnomAD no frequency). This sequence change replaces cysteine, which is neutral and slightly polar, with tyrosine, which is neutral and polar, at codon 42 of the PMP22 protein (p.Cys42Tyr). In summary, the available evidence is currently insufficient to determine the role of this variant in disease. Therefore, it has been classified as a Variant of Uncertain Significance. Advanced modeling of protein sequence and biophysical properties (such as structural, functional, and spatial information, amino acid conservation, physicochemical variation, residue mobility, and thermodynamic stability) performed at Invitae indicates that this missense variant is expected to disrupt PMP22 protein function. This variant has not been reported in the literature in individuals affected with PMP22-related conditions.